The following is an entry in ClinVar:

NM_198334.3(GANAB):c.276G>C (p.Gln92His)

Gene: GANAB (glucosidase II alpha subunit; minus strand). Cytogenetic location: 11q12.3.
Variant type: single nucleotide variant.
Coding change: c.276G>C on transcript NM_198334.3 (MANE Select); coding-DNA position 276, G replaced by C.
Protein change: p.Gln92His; replaces glutamine 92 with histidine.
Molecular consequence: missense variant. On other transcripts: 5 prime UTR variant (5), intron variant (2).
Genome position (GRCh38, 1-based): chr11:62,639,087, C>G on the plus strand (G>C on the coding strand, the complement: GANAB is on the minus strand). VCF-style: chr11-62639087-C-G. GRCh37 (hg19) VCF-style: chr11-62406559-C-G.
Other names: c.-16G>C (NM_001278194.2, NM_001329222.2, NM_001329223.2); c.-501G>C (NM_001329224.2, NM_001329225.2); c.276G>C, p.Gln92His (NM_198335.4); c.39-4087G>C (NM_001278193.2, NM_001278192.2); short protein forms Q92H.
Identifiers: ClinVar variation 2183932 (VCV002183932.4), dbSNP rs1944099889, ClinGen allele CA380996313.

ClinVar aggregate classification (germline): Uncertain significance (1 of 4 stars; one submission).

gnomAD v4.1: 3 of 1,614,044 alleles (0.00019%); highest among the groups gnomAD compares: Admixed American, 0.005%; no homozygotes.

Submission:

Labcorp Genetics (formerly Invitae), Labcorp
Classification: Uncertain significance. Last evaluated: 2022-07-05. Review status: criteria provided, single submitter. Criteria: Invitae Variant Classification Sherloc (09022015). Collection method: clinical testing. Allele origin: germline.
Comment: This sequence change replaces glutamine, which is neutral and polar, with histidine, which is basic and polar, at codon 92 of the GANAB protein (p.Gln92His). This variant is not present in population databases (gnomAD no frequency). In summary, the available evidence is currently insufficient to determine the role of this variant in disease. Therefore, it has been classified as a Variant of Uncertain Significance. Algorithms developed to predict the effect of missense changes on protein structure and function (SIFT, PolyPhen-2, Align-GVGD) all suggest that this variant is likely to be tolerated. This variant has not been reported in the literature in individuals affected with GANAB-related conditions.